The following is an entry in ClinVar:

ClinVar aggregate classification (germline): Uncertain significance. Review status: criteria provided, multiple submitters, no conflicts (2 of 4 stars). 2 submissions from 2 submitters: Uncertain significance (2). Last evaluated 2025-06-18.

Conditions:
Hereditary cancer-predisposing syndrome. Also called: Hereditary neoplastic syndrome; Tumor predisposition; Neoplastic Syndromes, Hereditary; Hereditary Cancer Syndrome. Identifiers: Orphanet 140162, MedGen C0027672, MeSH D009386, MONDO:0015356.
Tuberous sclerosis 2 (TSC2). Identifiers: Orphanet 805, MedGen C1860707, MONDO:0013199, OMIM 613254.

Submissions (2):

Ambry Genetics
Classification: Uncertain significance for Hereditary cancer-predisposing syndrome. Last evaluated: 2025-06-18. Review status: criteria provided, single submitter. Criteria: Ambry Variant Classification Scheme 2023. Collection method: clinical testing. Allele origin: germline.
Comment: The p.R98P variant (also known as c.293G>C), located in coding exon 3 of the TSC2 gene, results from a G to C substitution at nucleotide position 293. The arginine at codon 98 is replaced by proline, an amino acid with dissimilar properties. This amino acid position is highly conserved in available vertebrate species. In addition, this alteration is predicted to be deleterious by in silico analysis. Based on the available evidence, the clinical significance of this variant remains unclear.

Labcorp Genetics (formerly Invitae), Labcorp
Classification: Uncertain significance for Tuberous sclerosis 2. Last evaluated: 2024-09-30. Review status: criteria provided, single submitter. Criteria: Invitae Variant Classification Sherloc (09022015). Collection method: clinical testing. Allele origin: germline.
Comment: This sequence change replaces arginine, which is basic and polar, with proline, which is neutral and non-polar, at codon 98 of the TSC2 protein (p.Arg98Pro). This variant is not present in population databases (gnomAD no frequency). This variant has not been reported in the literature in individuals affected with TSC2-related conditions. ClinVar contains an entry for this variant (Variation ID: 1481191). Invitae Evidence Modeling of protein sequence and biophysical properties (such as structural, functional, and spatial information, amino acid conservation, physicochemical variation, residue mobility, and thermodynamic stability) has been performed for this missense variant. However, the output from this modeling did not meet the statistical confidence thresholds required to predict the impact of this variant on TSC2 protein function. In summary, the available evidence is currently insufficient to determine the role of this variant in disease. Therefore, it has been classified as a Variant of Uncertain Significance.

NM_000548.5(TSC2):c.293G>C (p.Arg98Pro)

Gene: TSC2 (TSC complex subunit 2; plus strand). Cytogenetic location: 16p13.3.
Variant type: single nucleotide variant.
Coding change: c.293G>C on transcript NM_000548.5 (MANE Select); coding-DNA position 293, G replaced by C.
Protein change: p.Arg98Pro; replaces arginine 98 with proline.
Molecular consequence: missense variant. On other transcripts: intron variant (2).
Genome position (GRCh38, 1-based): chr16:2,053,409, G>C. VCF-style: chr16-2053409-G-C. GRCh37 (hg19) VCF-style: chr16-2103410-G-C.
Other names: c.293G>C (NM_000548.3); c.293G>C, p.Arg98Pro (NM_001077183.3, NM_001114382.3, NM_001363528.2 and 3 more transcripts); c.146G>C, p.Arg49Pro (NM_001318829.2); c.326G>C, p.Arg109Pro (NM_001318832.2); c.226-887G>C (NM_001318827.2); c.-1-2787G>C (NM_001318831.2); short protein forms R98P, R109P, R49P.
Identifiers: ClinVar variation 1481191 (VCV001481191.7), dbSNP rs1478204355, ClinGen allele CA394305796.